The following is an entry in ClinVar:

ClinVar aggregate classification (germline): Uncertain significance. Review status: criteria provided, multiple submitters, no conflicts (2 of 4 stars). 2 submissions from 2 submitters: Uncertain significance (2). Last evaluated 2023-03-18.

Conditions:
CBL-related disorder. Also called: CBL MUTATION-ASSOCIATED SYNDROME; CBL SYNDROME; NOONAN SYNDROME-LIKE DISORDER WITHOUT JUVENILE MYELOMONOCYTIC LEUKEMIA. Identifiers: Orphanet 363972, MedGen C3150803, MONDO:0013308, OMIM 613563.
RASopathy. Also called: rasopathies; Noonan spectrum disorder. Identifiers: Orphanet 536391, MedGen C5555857, MONDO:0021060.

gnomAD v4.1: 3 of 1,614,184 alleles (0.00019%); highest among the groups gnomAD compares: Admixed American, 0.0017%; no homozygotes.

Submissions (2):

Labcorp Genetics (formerly Invitae), Labcorp
Classification: Uncertain significance for RASopathy. Last evaluated: 2023-03-18. Review status: criteria provided, single submitter. Criteria: Invitae Variant Classification Sherloc (09022015). Collection method: clinical testing. Allele origin: germline.
Comment: In summary, the available evidence is currently insufficient to determine the role of this variant in disease. Therefore, it has been classified as a Variant of Uncertain Significance. Advanced modeling of protein sequence and biophysical properties (such as structural, functional, and spatial information, amino acid conservation, physicochemical variation, residue mobility, and thermodynamic stability) performed at Invitae indicates that this missense variant is not expected to disrupt CBL protein function. ClinVar contains an entry for this variant (Variation ID: 2414493). This variant has not been reported in the literature in individuals affected with CBL-related conditions. This variant is present in population databases (no rsID available, gnomAD 0.003%). This sequence change replaces leucine, which is neutral and non-polar, with phenylalanine, which is neutral and non-polar, at codon 502 of the CBL protein (p.Leu502Phe).

PreventionGenetics, part of Exact Sciences
Classification: Uncertain significance for CBL-related condition. Last evaluated: 2022-09-19. Review status: criteria provided, single submitter. Criteria: ACMG Guidelines, 2015. Collection method: clinical testing. Allele origin: germline.
Comment: The CBL c.1504C>T variant is predicted to result in the amino acid substitution p.Leu502Phe. To our knowledge, this variant has not been reported in the literature. This variant is reported in 0.0029% of alleles in individuals of Latino descent in gnomAD. At this time, the clinical significance of this variant is uncertain due to the absence of conclusive functional and genetic evidence.

NM_005188.4(CBL):c.1504C>T (p.Leu502Phe)

Gene: CBL (Cbl proto-oncogene; plus strand). Cytogenetic location: 11q23.3.
Variant type: single nucleotide variant.
Coding change: c.1504C>T on transcript NM_005188.4 (MANE Select); coding-DNA position 1504, C replaced by T.
Protein change: p.Leu502Phe; replaces leucine 502 with phenylalanine.
Molecular consequence: missense variant.
Genome position (GRCh38, 1-based): chr11:119,285,041, C>T. VCF-style: chr11-119285041-C-T. GRCh37 (hg19) VCF-style: chr11-119155751-C-T.
Other names: short protein forms L502F.
Identifiers: ClinVar variation 2414493 (VCV002414493.7), dbSNP rs1341830963, ClinGen allele CA382918133.